The following is an entry in ClinVar:

ClinVar aggregate classification (germline): Pathogenic. Review status: criteria provided, multiple submitters, no conflicts (2 of 4 stars). 2 submissions from 2 submitters: Pathogenic (2). Last evaluated 2022-10-17.

Conditions:
PRPF8-related disorder. Also called: PRPF8-related condition.

Submissions (2):

Labcorp Genetics (formerly Invitae), Labcorp
Classification: Pathogenic. Last evaluated: 2022-10-17. Review status: criteria provided, single submitter. Criteria: Invitae Variant Classification Sherloc (09022015). Collection method: clinical testing. Allele origin: germline.
Comment: Algorithms developed to predict the effect of missense changes on protein structure and function are either unavailable or do not agree on the potential impact of this missense change (SIFT: "Deleterious"; PolyPhen-2: "Possibly Damaging"; Align-GVGD: "Class C0"). For these reasons, this variant has been classified as Pathogenic. Experimental studies have shown that this missense change affects PRPF8 function (PMID: 28515276). ClinVar contains an entry for this variant (Variation ID: 865924). This missense change has been observed in individuals with clinical features of autosomal dominant retinitis pigmentosa (PMID: 20232351, 21378395; Invitae). It has also been observed to segregate with disease in related individuals. This variant is not present in population databases (gnomAD no frequency). This sequence change replaces tyrosine, which is neutral and polar, with asparagine, which is neutral and polar, at codon 2334 of the PRPF8 protein (p.Tyr2334Asn).

Blueprint Genetics
Classification: Pathogenic for PRPF8-related disorders. Last evaluated: 2019-04-25. Review status: criteria provided, single submitter. Criteria: ACMG Guidelines, 2015. Collection method: clinical testing. Allele origin: germline. Affected: yes. Observed: 1 variant allele.

Literature cited by the submitters: PubMed 28515276 (cited by Labcorp Genetics (formerly Invitae), Labcorp); PubMed 20232351 (cited by Labcorp Genetics (formerly Invitae), Labcorp); PubMed 21378395 (cited by Labcorp Genetics (formerly Invitae), Labcorp).

NM_006445.4(PRPF8):c.7000T>A (p.Tyr2334Asn)

Gene: PRPF8 (pre-mRNA processing factor 8; minus strand). Cytogenetic location: 17p13.3.
Variant type: single nucleotide variant.
Coding change: c.7000T>A on transcript NM_006445.4 (MANE Select); coding-DNA position 7000, T replaced by A.
Protein change: p.Tyr2334Asn; replaces tyrosine 2334 with asparagine.
Molecular consequence: missense variant.
Genome position (GRCh38, 1-based): chr17:1,650,810, A>T on the plus strand (T>A on the coding strand, the complement: PRPF8 is on the minus strand). VCF-style: chr17-1650810-A-T. GRCh37 (hg19) VCF-style: chr17-1554104-A-T.
Other names: short protein forms Y2334N.
Identifiers: ClinVar variation 865924 (VCV000865924.7), dbSNP rs1193604660, ClinGen allele CA397561696.